The following is an entry in ClinVar:

ClinVar aggregate classification (germline): Uncertain significance (1 of 4 stars; one submission).

gnomAD v4.1: 5 of 1,519,802 alleles (0.00033%); highest among the groups gnomAD compares: South Asian, 0.0065%; no homozygotes.

Submission:

GeneDx
Classification: Uncertain significance. Last evaluated: 2024-07-16. Review status: criteria provided, single submitter. Criteria: GeneDx Variant Classification Process June 2021. Collection method: clinical testing. Allele origin: germline. Affected: yes.
Comment: Not observed at significant frequency in large population cohorts (gnomAD); In silico analysis indicates that this missense variant does not alter protein structure/function; Has not been previously published as pathogenic or benign to our knowledge

NM_005219.5(DIAPH1):c.2027C>G (p.Pro676Arg)

Gene: DIAPH1 (diaphanous related formin 1; minus strand). Cytogenetic location: 5q31.3.
Variant type: single nucleotide variant.
Coding change: c.2027C>G on transcript NM_005219.5 (MANE Select); coding-DNA position 2027, C replaced by G.
Protein change: p.Pro676Arg; replaces proline 676 with arginine.
Molecular consequence: missense variant.
Genome position (GRCh38, 1-based): chr5:141,573,823, G>C on the plus strand (C>G on the coding strand, the complement: DIAPH1 is on the minus strand). VCF-style: chr5-141573823-G-C. GRCh37 (hg19) VCF-style: chr5-140953390-G-C.
Other names: c.2000C>G, p.Pro667Arg (NM_001079812.3); c.2027C>G, p.Pro676Arg (NM_001314007.2); short protein forms P667R, P676R.
Identifiers: ClinVar variation 3573711 (VCV003573711.1).